The following is an entry in ClinVar:

NM_001940.4(ATN1):c.2650C>T (p.Arg884Cys)

Gene: ATN1 (atrophin 1; plus strand). Cytogenetic location: 12p13.31.
Variant type: single nucleotide variant.
Coding change: c.2650C>T on transcript NM_001940.4 (MANE Select); coding-DNA position 2650, C replaced by T.
Protein change: p.Arg884Cys; replaces arginine 884 with cysteine.
Molecular consequence: missense variant.
Genome position (GRCh38, 1-based): chr12:6,938,613, C>T. VCF-style: chr12-6938613-C-T. GRCh37 (hg19) VCF-style: chr12-7047776-C-T.
Other names: c.2650C>T, p.Arg884Cys (NM_001007026.2, NM_001424176.1, NM_001424177.1 and 1 more transcripts); c.2647C>T, p.Arg883Cys (NM_001424179.1, NM_001424180.1); c.2626C>T, p.Arg876Cys (NM_001424182.1); short protein forms R876C, R883C, R884C.
Identifiers: ClinVar variation 3774037 (VCV003774037.1).
Genomic context (GRCh38, chr12:6,938,613, plus strand): 5'-GAACCGGGCAGTGCGGTGGCTACAGTGCCCCCCTACCTGGGTCCTGACACTCCAGCCTTG[C>T]GCACTCTCAGTGAATATGCCCGGCCTCATGTCATGTCTCCTGGCAATCGCAACCATCCAT-3'
Protein context (NP_001931.2, residues 874-894): PYLGPDTPAL[Arg884Cys]TLSEYARPHV

ClinVar aggregate classification (germline): Uncertain significance (1 of 4 stars; one submission).

Submission:

GeneDx
Classification: Uncertain significance. Last evaluated: 2024-09-15. Review status: criteria provided, single submitter. Criteria: GeneDx Variant Classification Process June 2021. Collection method: clinical testing. Allele origin: germline. Affected: yes.
Comment: Not observed at significant frequency in large population cohorts (gnomAD); In silico analysis supports that this missense variant has a deleterious effect on protein structure/function; Has not been previously published as pathogenic or benign to our knowledge